The following is an entry in ClinVar:

NM_020975.6(RET):c.770C>T (p.Pro257Leu)

Gene: RET (ret proto-oncogene; plus strand). Cytogenetic location: 10q11.21.
Variant type: single nucleotide variant.
Coding change: c.770C>T on transcript NM_020975.6 (MANE Select); coding-DNA position 770, C replaced by T.
Protein change: p.Pro257Leu; replaces proline 257 with leucine.
Molecular consequence: missense variant.
Genome position (GRCh38, 1-based): chr10:43,105,096, C>T. VCF-style: chr10-43105096-C-T. GRCh37 (hg19) VCF-style: chr10-43600544-C-T.
Other names: c.770C>T, p.Pro257Leu (NM_000323.2, NM_001406743.1, NM_001406744.1 and 8 more transcripts); c.8C>T, p.Pro3Leu (NM_001355216.2); c.641C>T, p.Pro214Leu (NM_001406761.1, NM_001406762.1, NM_001406764.1 and 2 more transcripts); c.482C>T, p.Pro161Leu (NM_001406766.1, NM_001406767.1, NM_001406770.1); short protein forms P257L, P3L, P161L, P214L.
Identifiers: ClinVar variation 847756 (VCV000847756.14), dbSNP rs1277252937, ClinGen allele CA376544973.

ClinVar aggregate classification (germline): Uncertain significance. Review status: criteria provided, multiple submitters, no conflicts (2 of 4 stars). 3 submissions from 3 submitters: Uncertain significance (3). Last evaluated 2024-03-06.

Conditions:
Hereditary cancer-predisposing syndrome. Also called: Tumor predisposition; Hereditary neoplastic syndrome; Neoplastic Syndromes, Hereditary; Hereditary Cancer Syndrome. Identifiers: Orphanet 140162, MedGen C0027672, MeSH D009386, MONDO:0015356.
Multiple endocrine neoplasia, type 2 (MEN2). Identifiers: Orphanet 653, MedGen C4048306, MONDO:0019003. Disease mechanism: gain of function.

Allele frequency attached by ClinVar (database versions not stated): TOPMed below 0.00001.

Submissions (3):

GeneDx
Classification: Uncertain significance. Last evaluated: 2024-03-06. Review status: criteria provided, single submitter. Criteria: GeneDx Variant Classification Process June 2021. Collection method: clinical testing. Allele origin: germline. Affected: yes.
Comment: Not observed at significant frequency in large population cohorts (gnomAD); In silico analysis supports that this missense variant does not alter protein structure/function; Has not been previously published as pathogenic or benign to our knowledge; This variant is associated with the following publications: (PMID: 14633923)

Labcorp Genetics (formerly Invitae), Labcorp
Classification: Uncertain significance for Multiple endocrine neoplasia, type 2. Last evaluated: 2023-01-06. Review status: criteria provided, single submitter. Criteria: Invitae Variant Classification Sherloc (09022015). Collection method: clinical testing. Allele origin: germline.
Comment: In summary, the available evidence is currently insufficient to determine the role of this variant in disease. Therefore, it has been classified as a Variant of Uncertain Significance. Algorithms developed to predict the effect of missense changes on protein structure and function are either unavailable or do not agree on the potential impact of this missense change (SIFT: "Tolerated"; PolyPhen-2: "Possibly Damaging"; Align-GVGD: "Class C0"). ClinVar contains an entry for this variant (Variation ID: 847756). This variant has not been reported in the literature in individuals affected with RET-related conditions. This variant is not present in population databases (gnomAD no frequency). This sequence change replaces proline, which is neutral and non-polar, with leucine, which is neutral and non-polar, at codon 257 of the RET protein (p.Pro257Leu).

Ambry Genetics
Classification: Uncertain significance for Hereditary cancer-predisposing syndrome. Last evaluated: 2022-01-16. Review status: criteria provided, single submitter. Criteria: Ambry Variant Classification Scheme 2023. Collection method: clinical testing. Allele origin: germline.
Comment: The p.P257L variant (also known as c.770C>T), located in coding exon 4 of the RET gene, results from a C to T substitution at nucleotide position 770. The proline at codon 257 is replaced by leucine, an amino acid with similar properties. This amino acid position is conserved. In addition, this alteration is predicted to be tolerated by in silico analysis. Since supporting evidence is limited at this time, the clinical significance of this alteration remains unclear.